The following continues an entry in ClinVar:

NM_001276345.2(TNNT2):c.863G>A (p.Arg288His)

Gene: TNNT2. ClinVar aggregate classification (germline): Conflicting classifications of pathogenicity. Likely pathogenic (1); Uncertain significance (13).

Submissions 10 to 17 of 17:

Mayo Clinic Laboratories, Mayo Clinic
Classification: Uncertain significance. Last evaluated: 2022-07-12. Review status: criteria provided, single submitter. Criteria: ACMG Guidelines, 2015. Collection method: clinical testing. Allele origin: germline. Observed: 1 variant allele.
Comment: PM5, PS4_moderate

Fulgent Genetics
Classification: Uncertain significance for Hypertrophic cardiomyopathy 2; Dilated cardiomyopathy 1D; Cardiomyopathy, familial restrictive, 3. Last evaluated: 2021-12-04. Review status: criteria provided, single submitter. Criteria: ACMG Guidelines, 2015. Collection method: clinical testing. Allele origin: unknown.

CHEO Genetics Diagnostic Laboratory, Children's Hospital of Eastern Ontario
Classification: Uncertain significance for Cardiomyopathy. Last evaluated: 2021-05-28. Review status: criteria provided, single submitter. Criteria: ACMG Guidelines, 2015. Collection method: clinical testing. Allele origin: germline.

Ambry Genetics
Classification: Uncertain significance for Cardiovascular phenotype. Last evaluated: 2019-04-15. Review status: criteria provided, single submitter. Criteria: Ambry Variant Classification Scheme 2023. Collection method: clinical testing. Allele origin: germline.

Laboratory for Molecular Medicine, Mass General Brigham Personalized Medicine
Classification: Uncertain significance for Hypertrophic cardiomyopathy. Last evaluated: 2019-04-04. Review status: criteria provided, single submitter. Criteria: ACMG Guidelines, 2015. Collection method: clinical testing. Allele origin: germline.
Comment: Disclaimer: This variant has not undergone full assessment. The following are preliminary notes: This variant has been reported in two probands with HCM (Pasquale 2012, Burns 2017). Gnomad: 0.01% (3 alleles). Clinvar: VUS (Agnes Ginges). Three other variants at this position are reported in HGMD.

Agnes Ginges Centre for Molecular Cardiology, Centenary Institute
Classification: Uncertain significance for Hypertrophic cardiomyopathy. Last evaluated: 2019-11-26. Review status: no assertion criteria provided. Collection method: research. Allele origin: germline. Inheritance: Autosomal dominant inheritance. Affected: yes. Not counted in ClinVar's aggregate classification.
Comment: This TNNT2 Arg278His variant has been reported in 3 HCM probands (Pasquale F, et al., 2012; Walsh R et al., 2017). This variant is present in the Genome Aggregation Database. Interestingly, different rare variants at this position (Arg278Cys and Arg278Pro) have also been reported in multiple HCM individuals, suggesting that an amino acid substitution at this site may not be tolerated. Computational tools SIFT, MutationTaster, and PolyPhen-2 predict this variant to have a deleterious effect. Based on the adapted ACMG guidelines (Kelly MA, et al., 2018), the variant is rare in the general population (PM2), has been identified in 4 HCM probands and in silico tools predict the variant to be deleterious, therefore we classify TNNT2 Arg278His as a variant of "uncertain significance".

Clinical Genetics DNA and cytogenetics Diagnostics Lab, Erasmus MC, Erasmus Medical Center
Classification: Uncertain significance. Review status: no assertion criteria provided. Collection method: clinical testing. Allele origin: germline. Affected: yes. Study: VKGL Data-share Consensus. Not counted in ClinVar's aggregate classification.

Clinical Genetics, Academic Medical Center
Classification: Uncertain significance. Review status: no assertion criteria provided. Collection method: clinical testing. Allele origin: germline. Affected: yes. Study: VKGL Data-share Consensus. Not counted in ClinVar's aggregate classification.

Literature cited by the submitters: PubMed 22144547 (cited by 6 submitters); PubMed 27532257 (cited by 6 submitters); PubMed 28790153 (cited by 4 submitters); PubMed 33297573 (cited by 4 submitters); PubMed 28408708 (cited by 6 submitters); PubMed 37652022 (cited by Women's Health and Genetics/Laboratory Corporation of America, LabCorp); PubMed 38456273 (cited by Women's Health and Genetics/Laboratory Corporation of America, LabCorp); PubMed 20624503 (cited by Labcorp Genetics (formerly Invitae), Labcorp); PubMed 12974739 (cited by Labcorp Genetics (formerly Invitae), Labcorp); PubMed 15958377 (cited by Labcorp Genetics (formerly Invitae), Labcorp); PubMed 23283745 (cited by Labcorp Genetics (formerly Invitae), Labcorp); PubMed 24793961 (cited by Labcorp Genetics (formerly Invitae), Labcorp); PubMed 28771489 (cited by 3 submitters); PubMed 28971120 (cited by 3 submitters); PubMed 34087240 (cited by Color Diagnostics, LLC DBA Color Health and All of Us Research Program, National Institutes of Health); PubMed 28252636 (cited by Mayo Clinic Laboratories, Mayo Clinic).